The following is an entry in ClinVar:

ClinVar aggregate classification (germline): Likely benign (0 of 4 stars; one submission).

Conditions:
RNF213-related disorder. Also called: RNF213-related condition.

Allele frequency attached by ClinVar (database versions not stated): ExAC 0.00001; gnomAD 0.00004; ESP Exome Variant Server 0.00008; TOPMed 0.00009.
gnomAD v4.1: 13 of 1,613,444 alleles (0.00081%); highest among the groups gnomAD compares: African/African-American, 0.008%; no homozygotes.

Submission:

PreventionGenetics, part of Exact Sciences
Classification: Likely benign for RNF213-related condition. Last evaluated: 2024-02-28. Review status: no assertion criteria provided. Collection method: clinical testing. Allele origin: germline.
Comment: This variant is classified as likely benign based on ACMG/AMP sequence variant interpretation guidelines (Richards et al. 2015 PMID: 25741868, with internal and published modifications).

NM_001256071.3(RNF213):c.183G>A (p.Pro61=)

Gene: RNF213 (ring finger protein 213; plus strand). Cytogenetic location: 17q25.3.
Variant type: single nucleotide variant.
Coding change: c.183G>A on transcript NM_001256071.3 (MANE Select); coding-DNA position 183, G replaced by A.
Protein change: p.Pro61=; no amino-acid change (proline 61 retained).
Molecular consequence: synonymous variant.
Genome position (GRCh38, 1-based): chr17:80,273,326, G>A. VCF-style: chr17-80273326-G-A. GRCh37 (hg19) VCF-style: chr17-78247125-G-A.
Other names: c.183G>A, p.Pro61= (NM_001410195.1, NM_020914.5, NM_020954.4).
Identifiers: ClinVar variation 3052151 (VCV003052151.2), dbSNP rs146974744, ClinGen allele CA8819164.